The following is an entry in ClinVar:

NM_000094.4(COL7A1):c.557T>C (p.Val186Ala)

Gene: COL7A1 (collagen type VII alpha 1 chain; minus strand). Cytogenetic location: 3p21.31.
Variant type: single nucleotide variant.
Coding change: c.557T>C on transcript NM_000094.4 (MANE Select); coding-DNA position 557, T replaced by C.
Protein change: p.Val186Ala; replaces valine 186 with alanine.
Molecular consequence: missense variant.
Genome position (GRCh38, 1-based): chr3:48,593,227, A>G on the plus strand (T>C on the coding strand, the complement: COL7A1 is on the minus strand). VCF-style: chr3-48593227-A-G. GRCh37 (hg19) VCF-style: chr3-48630660-A-G.
Other names: short protein forms V186A.
Identifiers: ClinVar variation 3630846 (VCV003630846.2).

ClinVar aggregate classification (germline): Uncertain significance (1 of 4 stars; one submission).

Submission:

Labcorp Genetics (formerly Invitae), Labcorp
Classification: Uncertain significance. Last evaluated: 2024-02-10. Review status: criteria provided, single submitter. Criteria: Invitae Variant Classification Sherloc (09022015). Collection method: clinical testing. Allele origin: germline.
Comment: This sequence change replaces valine, which is neutral and non-polar, with alanine, which is neutral and non-polar, at codon 186 of the COL7A1 protein (p.Val186Ala). This variant is not present in population databases (gnomAD no frequency). This variant has not been reported in the literature in individuals affected with COL7A1-related conditions. Advanced modeling of protein sequence and biophysical properties (such as structural, functional, and spatial information, amino acid conservation, physicochemical variation, residue mobility, and thermodynamic stability) performed at Invitae indicates that this missense variant is not expected to disrupt COL7A1 protein function with a negative predictive value of 95%. In summary, the available evidence is currently insufficient to determine the role of this variant in disease. Therefore, it has been classified as a Variant of Uncertain Significance.